The following is an entry in ClinVar:

ClinVar aggregate classification (germline): Uncertain significance. Review status: criteria provided, multiple submitters, no conflicts (2 of 4 stars). 2 submissions from 2 submitters: Uncertain significance (2). Last evaluated 2024-07-26.

Conditions:
DNA ligase IV deficiency. Identifiers: Orphanet 99812, MedGen C1847827, MONDO:0011686, OMIM 606593.
Inborn genetic diseases. Identifiers: MedGen C0950123, MeSH D030342.

Allele frequency attached by ClinVar (database versions not stated): ExAC 0.00005; gnomAD exomes 0.00006; gnomAD 0.00012 and 0.00013; TOPMed 0.00017; ESP Exome Variant Server 0.00023.
gnomAD v4.1: 38 of 1,612,026 alleles (0.0024%); highest among the groups gnomAD compares: African/African-American, 0.045%; no homozygotes.

Submissions (2):

Ambry Genetics
Classification: Uncertain significance for Inborn genetic diseases. Last evaluated: 2024-07-26. Review status: criteria provided, single submitter. Criteria: Ambry Variant Classification Scheme 2023. Collection method: clinical testing. Allele origin: germline.

Labcorp Genetics (formerly Invitae), Labcorp
Classification: Uncertain significance for DNA ligase IV deficiency. Last evaluated: 2022-08-08. Review status: criteria provided, single submitter. Criteria: Invitae Variant Classification Sherloc (09022015). Collection method: clinical testing. Allele origin: germline.
Comment: This sequence change replaces aspartic acid, which is acidic and polar, with tyrosine, which is neutral and polar, at codon 416 of the LIG4 protein (p.Asp416Tyr). This variant is present in population databases (rs148273759, gnomAD 0.06%). This variant has not been reported in the literature in individuals affected with LIG4-related conditions. ClinVar contains an entry for this variant (Variation ID: 644436). Algorithms developed to predict the effect of missense changes on protein structure and function are either unavailable or do not agree on the potential impact of this missense change (SIFT: "Deleterious"; PolyPhen-2: "Probably Damaging"; Align-GVGD: "Class C0"). In summary, the available evidence is currently insufficient to determine the role of this variant in disease. Therefore, it has been classified as a Variant of Uncertain Significance.

NM_206937.2(LIG4):c.1246G>T (p.Asp416Tyr)

Gene: LIG4 (DNA ligase 4; minus strand). Cytogenetic location: 13q33.3.
Variant type: single nucleotide variant.
Coding change: c.1246G>T on transcript NM_206937.2 (MANE Select); coding-DNA position 1246, G replaced by T.
Protein change: p.Asp416Tyr; replaces aspartic acid 416 with tyrosine.
Molecular consequence: missense variant.
Genome position (GRCh38, 1-based): chr13:108,210,023, C>A on the plus strand (G>T on the coding strand, the complement: LIG4 is on the minus strand). VCF-style: chr13-108210023-C-A. GRCh37 (hg19) VCF-style: chr13-108862371-C-A.
Other names: c.1246G>T, p.Asp416Tyr (NM_001098268.2, NM_001352598.2, NM_001352599.2 and 6 more transcripts); c.1045G>T, p.Asp349Tyr (NM_001330595.2); c.1282G>T, p.Asp428Tyr (NM_001352604.2); short protein forms D349Y, D428Y, D416Y.
Identifiers: ClinVar variation 644436 (VCV000644436.5), dbSNP rs148273759, ClinGen allele CA7043723.
Genomic context (GRCh38, chr13:108,210,023, plus strand): 5'-ATAGAGGTTGTTTTACCATAATTCCCTCTTCTCTTTTATCTATTGCTTCATTCAATGCAT[C>A]AATTACTTCATTCTTAGTATGAGCTTGTGTTTTCTGCACTATTTCTATTCTACCTGGAAT-3'
Protein context (NP_996820.1, residues 406-426): TQAHTKNEVI[Asp416Tyr]ALNEAIDKRE